The following is an entry in ClinVar:

ClinVar aggregate classification (germline): Uncertain significance. Review status: criteria provided, multiple submitters, no conflicts (2 of 4 stars). 2 submissions from 2 submitters: Uncertain significance (2). Last evaluated 2025-01-20.

Conditions:
Autosomal dominant nonsyndromic hearing loss 10. Identifiers: Orphanet 90635, MedGen C1832476, MONDO:0011031, OMIM 601316.
Dilated cardiomyopathy 1J (CMD1J). Also called: CARDIOMYOPATHY, DILATED, WITH SENSORINEURAL HEARING LOSS, AUTOSOMAL DOMINANT. Identifiers: Orphanet 217622, MedGen C1854368, MONDO:0011541, OMIM 605362.

gnomAD v4.1: 8 of 1,611,750 alleles (0.0005%); highest among the groups gnomAD compares: East Asian, 0.011%; no homozygotes.

Submissions (2):

Labcorp Genetics (formerly Invitae), Labcorp
Classification: Uncertain significance for Dilated cardiomyopathy 1J. Last evaluated: 2025-01-20. Review status: criteria provided, single submitter. Criteria: Invitae Variant Classification Sherloc (09022015). Collection method: clinical testing. Allele origin: germline.
Comment: This sequence change replaces serine, which is neutral and polar, with proline, which is neutral and non-polar, at codon 258 of the EYA4 protein (p.Ser258Pro). This variant is present in population databases (no rsID available, gnomAD 0.01%). This variant has not been reported in the literature in individuals affected with EYA4-related conditions. Invitae Evidence Modeling of protein sequence and biophysical properties (such as structural, functional, and spatial information, amino acid conservation, physicochemical variation, residue mobility, and thermodynamic stability) indicates that this missense variant is not expected to disrupt EYA4 protein function with a negative predictive value of 80%. In summary, the available evidence is currently insufficient to determine the role of this variant in disease. Therefore, it has been classified as a Variant of Uncertain Significance.

Precision Medicine Center, Zhengzhou University
Classification: Uncertain significance for Autosomal dominant nonsyndromic hearing loss 10. Last evaluated: 2006-06-30. Review status: criteria provided, single submitter. Criteria: ClinGen HL ACMG Specifications v1. Collection method: clinical testing. Allele origin: unknown. Affected: yes.
Comment: PM2+PP1:The EYA4 c.772T>C variant is absent or extremely rare in population databases (PM2). Segregation in two affected relatives for dominant(PP1). However, no functional evidence, de novo occurrence, or sufficient independent clinical observations are currently available. According to the ACMG/AMP guidelines, this variant is classified as Variant of Uncertain Significance (VUS).

NM_004100.5(EYA4):c.772T>C (p.Ser258Pro)

Gene: EYA4 (EYA transcriptional coactivator and phosphatase 4; plus strand). Cytogenetic location: 6q23.2.
Variant type: single nucleotide variant.
Coding change: c.772T>C on transcript NM_004100.5 (MANE Select); coding-DNA position 772, T replaced by C.
Protein change: p.Ser258Pro; replaces serine 258 with proline.
Molecular consequence: missense variant.
Genome position (GRCh38, 1-based): chr6:133,464,826, T>C. VCF-style: chr6-133464826-T-C. GRCh37 (hg19) VCF-style: chr6-133785964-T-C.
Other names: c.610T>C, p.Ser204Pro (NM_001301012.2, NM_001370459.1); c.772T>C, p.Ser258Pro (NM_001301013.2, NM_172105.4); c.703T>C, p.Ser235Pro (NM_001370458.1, NM_172103.4); short protein forms S204P, S235P, S258P.
Identifiers: ClinVar variation 3707607 (VCV003707607.3).